The following is an entry in ClinVar:

ClinVar aggregate classification (germline): Uncertain significance (1 of 4 stars; one submission).

Allele frequency attached by ClinVar (database versions not stated): TOPMed below 0.00001; gnomAD 0.00001.
gnomAD v4.1: 1 of 1,612,582 alleles (0.000062%); highest among the groups gnomAD compares: Non-Finnish European, 0.000085%; no homozygotes.

Submission:

Labcorp Genetics (formerly Invitae), Labcorp
Classification: Uncertain significance. Last evaluated: 2022-02-23. Review status: criteria provided, single submitter. Criteria: Invitae Variant Classification Sherloc (09022015). Collection method: clinical testing. Allele origin: germline.
Comment: In summary, the available evidence is currently insufficient to determine the role of this variant in disease. Therefore, it has been classified as a Variant of Uncertain Significance. Algorithms developed to predict the effect of missense changes on protein structure and function (SIFT, PolyPhen-2, Align-GVGD) all suggest that this variant is likely to be tolerated. This variant has not been reported in the literature in individuals affected with GGCX-related conditions. This variant is not present in population databases (gnomAD no frequency). This sequence change replaces valine, which is neutral and non-polar, with phenylalanine, which is neutral and non-polar, at codon 731 of the GGCX protein (p.Val731Phe).

NM_000821.7(GGCX):c.2191G>T (p.Val731Phe)

Gene: GGCX (gamma-glutamyl carboxylase; minus strand). Cytogenetic location: 2p11.2.
Variant type: single nucleotide variant.
Coding change: c.2191G>T on transcript NM_000821.7 (MANE Select); coding-DNA position 2191, G replaced by T.
Protein change: p.Val731Phe; replaces valine 731 with phenylalanine.
Molecular consequence: missense variant.
Genome position (GRCh38, 1-based): chr2:85,550,020, C>A on the plus strand (G>T on the coding strand, the complement: GGCX is on the minus strand). VCF-style: chr2-85550020-C-A. GRCh37 (hg19) VCF-style: chr2-85777143-C-A.
Other names: c.2020G>T, p.Val674Phe (NM_001142269.4); short protein forms V731F, V674F.
Identifiers: ClinVar variation 2147676 (VCV002147676.4), dbSNP rs1390542084, ClinGen allele CA347481183.